The following is an entry in ClinVar:

NM_000489.6(ATRX):c.1279A>C (p.Lys427Gln)

Gene: ATRX (ATRX chromatin remodeler; minus strand). Cytogenetic location: Xq21.1.
Variant type: single nucleotide variant.
Coding change: c.1279A>C on transcript NM_000489.6 (MANE Select); coding-DNA position 1279, A replaced by C.
Protein change: p.Lys427Gln; replaces lysine 427 with glutamine.
Molecular consequence: missense variant.
Genome position (GRCh38, 1-based): chrX:77,683,977, T>G on the plus strand (A>C on the coding strand, the complement: ATRX is on the minus strand). VCF-style: chrX-77683977-T-G. GRCh37 (hg19) VCF-style: chrX-76939469-T-G.
Other names: c.1165A>C, p.Lys389Gln (NM_138270.5); short protein forms K427Q, K389Q.
Identifiers: ClinVar variation 3692661 (VCV003692661.2).

ClinVar aggregate classification (germline): Uncertain significance (1 of 4 stars; one submission).

Conditions:
Alpha thalassemia-X-linked intellectual disability syndrome (ATRX). Also called: ALPHA-THALASSEMIA/MENTAL RETARDATION SYNDROME, X-LINKED; ATR, NONDELETION TYPE; ATR-X syndrome; Alpha thalassemia mental retardation syndrome, nondeletion type, X-linked; XLMR hypotonic face syndrome; X-linked alpha-thalassemia-mental retardation syndrome. Identifiers: Orphanet 847, MedGen C1845055, MONDO:0010519, OMIM 301040.

Submission:

Labcorp Genetics (formerly Invitae), Labcorp
Classification: Uncertain significance for Alpha thalassemia-X-linked intellectual disability syndrome. Last evaluated: 2024-04-25. Review status: criteria provided, single submitter. Criteria: Invitae Variant Classification Sherloc (09022015). Collection method: clinical testing. Allele origin: germline.
Comment: This sequence change replaces lysine, which is basic and polar, with glutamine, which is neutral and polar, at codon 427 of the ATRX protein (p.Lys427Gln). This variant is not present in population databases (gnomAD no frequency). This variant has not been reported in the literature in individuals affected with ATRX-related conditions. Advanced modeling of protein sequence and biophysical properties (such as structural, functional, and spatial information, amino acid conservation, physicochemical variation, residue mobility, and thermodynamic stability) performed at Invitae indicates that this missense variant is not expected to disrupt ATRX protein function with a negative predictive value of 95%. In summary, the available evidence is currently insufficient to determine the role of this variant in disease. Therefore, it has been classified as a Variant of Uncertain Significance.